The following is an entry in ClinVar:

ClinVar aggregate classification (germline): Uncertain significance. Review status: criteria provided, multiple submitters, no conflicts (2 of 4 stars). 3 submissions from 3 submitters: Uncertain significance (3). Last evaluated 2025-11-20.

Conditions:
Nemaline myopathy 10 (NEM10). Identifiers: MedGen C4015360, MONDO:0014513, OMIM 616165.
Inborn genetic diseases. Identifiers: MedGen C0950123, MeSH D030342.

Allele frequency attached by ClinVar (database versions not stated): gnomAD 0.00003 and 0.00004; TOPMed 0.00005; gnomAD exomes 0.00007 and 0.00005; ESP Exome Variant Server 0.00017; ExAC 0.00010.
gnomAD v4.1: 70 of 1,603,436 alleles (0.0044%); highest among the groups gnomAD compares: East Asian, 0.018%; no homozygotes.

Submissions (3):

Ambry Genetics
Classification: Uncertain significance for Inborn genetic diseases. Last evaluated: 2025-11-20. Review status: criteria provided, single submitter. Criteria: Ambry Variant Classification Scheme 2023. Collection method: clinical testing. Allele origin: germline.

Revvity Omics, Revvity
Classification: Uncertain significance for Nemaline myopathy 10. Last evaluated: 2022-11-24. Review status: criteria provided, single submitter. Criteria: ACMG Guidelines, 2015. Collection method: clinical testing. Allele origin: germline.

Labcorp Genetics (formerly Invitae), Labcorp
Classification: Uncertain significance for Nemaline myopathy 10. Last evaluated: 2022-08-09. Review status: criteria provided, single submitter. Criteria: Invitae Variant Classification Sherloc (09022015). Collection method: clinical testing. Allele origin: germline.
Comment: This sequence change replaces arginine, which is basic and polar, with histidine, which is basic and polar, at codon 111 of the LMOD3 protein (p.Arg111His). The frequency data for this variant in the population databases is considered unreliable, as metrics indicate poor data quality at this position in the gnomAD database. This variant has not been reported in the literature in individuals affected with LMOD3-related conditions. ClinVar contains an entry for this variant (Variation ID: 475318). Algorithms developed to predict the effect of missense changes on protein structure and function output the following: SIFT: "Tolerated"; PolyPhen-2: "Benign"; Align-GVGD: "Class C0". The histidine amino acid residue is found in multiple mammalian species, which suggests that this missense change does not adversely affect protein function. In summary, the available evidence is currently insufficient to determine the role of this variant in disease. Therefore, it has been classified as a Variant of Uncertain Significance.

NM_198271.5(LMOD3):c.332G>A (p.Arg111His)

Gene: LMOD3 (leiomodin 3; minus strand). Cytogenetic location: 3p14.1.
Variant type: single nucleotide variant.
Coding change: c.332G>A on transcript NM_198271.5 (MANE Select); coding-DNA position 332, G replaced by A.
Protein change: p.Arg111His; replaces arginine 111 with histidine.
Molecular consequence: missense variant.
Genome position (GRCh38, 1-based): chr3:69,120,023, C>T on the plus strand (G>A on the coding strand, the complement: LMOD3 is on the minus strand). VCF-style: chr3-69120023-C-T. GRCh37 (hg19) VCF-style: chr3-69169174-C-T.
Other names: c.332G>A, p.Arg111His (NM_001304418.3); c.332G>A (NM_198271.3); short protein forms R111H.
Identifiers: ClinVar variation 475318 (VCV000475318.9), dbSNP rs370401036, ClinGen allele CA2489011.